The following is an entry in ClinVar:

ClinVar aggregate classification (germline): Uncertain significance (1 of 4 stars; one submission).

Conditions:
Familial cancer of breast. Also called: hereditary breast carcinoma; Hereditary breast cancer; BREAST CANCER, FAMILIAL. Identifiers: Orphanet 227535, MedGen C0346153, MONDO:0016419, OMIM 114480. Disease mechanism: loss of function.

Allele frequency attached by ClinVar (database versions not stated): gnomAD exomes below 0.00001.

Submission:

Labcorp Genetics (formerly Invitae), Labcorp
Classification: Uncertain significance for Familial cancer of breast. Last evaluated: 2021-04-23. Review status: criteria provided, single submitter. Criteria: Invitae Variant Classification Sherloc (09022015). Collection method: clinical testing. Allele origin: germline.
Comment: This sequence change replaces glycine with serine at codon 1043 of the PALB2 protein (p.Gly1043Ser). The glycine residue is highly conserved and there is a small physicochemical difference between glycine and serine. This variant is not present in population databases (ExAC no frequency). This variant has not been reported in the literature in individuals with PALB2-related conditions. Algorithms developed to predict the effect of missense changes on protein structure and function (SIFT, PolyPhen-2, Align-GVGD) all suggest that this variant is likely to be disruptive, but these predictions have not been confirmed by published functional studies and their clinical significance is uncertain. In summary, the available evidence is currently insufficient to determine the role of this variant in disease. Therefore, it has been classified as a Variant of Uncertain Significance.

NM_024675.4(PALB2):c.3127G>A (p.Gly1043Ser)

Gene: PALB2 (partner and localizer of BRCA2; minus strand). Cytogenetic location: 16p12.2.
Variant type: single nucleotide variant.
Coding change: c.3127G>A on transcript NM_024675.4 (MANE Select); coding-DNA position 3127, G replaced by A.
Protein change: p.Gly1043Ser; replaces glycine 1043 with serine.
Molecular consequence: missense variant.
Genome position (GRCh38, 1-based): chr16:23,614,078, C>T on the plus strand (G>A on the coding strand, the complement: PALB2 is on the minus strand). VCF-style: chr16-23614078-C-T. GRCh37 (hg19) VCF-style: chr16-23625399-C-T.
Other names: short protein forms G1043S.
Identifiers: ClinVar variation 1347549 (VCV001347549.9), dbSNP rs2142300078, ClinGen allele CA395141439.